The following is an entry in ClinVar:

ClinVar aggregate classification (germline): Likely pathogenic (0 of 4 stars; one submission).

Conditions:
Erythrokeratodermia variabilis et progressiva 1 (EKVP1). Also called: ERYTHROKERATODERMIA VARIABILIS WITH ERYTHEMA GYRATUM REPENS; ERYTHROKERATODERMIA, PROGRESSIVE SYMMETRIC; ERYTHROKERATODERMIA FIGURATA, CONGENITAL FAMILIAL, IN PLAQUES. Identifiers: Orphanet 317, MedGen C4551486, MONDO:0033010, OMIM 133200.

Submission:

Biomedical Genomics and Oncogenetics Laboratory, Institut Pasteur de Tunis, University Tunis El Manar
Classification: Likely pathogenic for Erythrokeratodermia variabilis et progressiva 1. Last evaluated: 2020-06-04. Review status: no assertion criteria provided. Collection method: research. Allele origin: inherited. Inheritance: Autosomal recessive inheritance. Affected: yes. Observed: 2 variant alleles, 2 homozygotes. Clinical features observed: Erythrokeratodermia variabilis-like utosomal Recessive Congenital Ichthyosis.
Comment: The Pro279Ala variant in NIPAL4 gene (RefSeq NM_001099287, exon 6) (g.157472394C>G; c.835C>G) has been reported in a consanguineous Tunisian family with two patients presenting Erythrokeratodermia variabilis -like Autosomal Recessive Congenital Ichthyosis (EKV-like ARCI) phenotype. This variant was completely co-segregated with the disease phenotype in the two siblings and was not found in the unaffected family members suggesting an autosomal recessive mode of inheritance. It was also not present in the 50 in-house control exomes, and was absent from large population studies. The (c.835C>G, p.Pro279Ala) variant has been classified as â€œlikely pathogenicâ€ . In silico analysis of the mutated 3D domain structure predicted that this variant would result in NIPA4 protein destabilization and Mg2+ transport perturbation.

NM_001099287.2(NIPAL4):c.649C>G (p.Pro217Ala)

Gene: NIPAL4 (NIPA like domain containing 4; plus strand). Cytogenetic location: 5q33.3.
Variant type: single nucleotide variant.
Coding change: c.649C>G on transcript NM_001099287.2 (MANE Select); coding-DNA position 649, C replaced by G.
Protein change: p.Pro217Ala; replaces proline 217 with alanine.
Molecular consequence: missense variant.
Genome position (GRCh38, 1-based): chr5:157,472,394, C>G. VCF-style: chr5-157472394-C-G. GRCh37 (hg19) VCF-style: chr5-156899402-C-G.
Other names: c.592C>G, p.Pro198Ala (NM_001172292.2); short protein forms P217A, P260A, P198A, P279A.
Identifiers: ClinVar variation 1175309 (VCV001175309.3), dbSNP rs2113670056, ClinGen allele CA361973262.
Genomic context (GRCh38, chr5:157,472,394, plus strand): 5'-TTCATCGTGTTTGCTGTGCTTCTGCTGGTGTCATGCCTCATCCTCATCTTTGTCATTGCC[C>G]CACGTTACGGGCAAAGGAATATCCTCATCTACATCATCATCTGCTCTGTGATCGGGGCCT-3'
Protein context (NP_001092757.2, residues 207-227): SCLILIFVIA[Pro217Ala]RYGQRNILIY